The following is an entry in ClinVar:

ClinVar aggregate classification (germline): Likely benign. Review status: criteria provided, multiple submitters, no conflicts (2 of 4 stars). 2 submissions from 2 submitters: Likely benign (2). Last evaluated 2025-08-08.

Allele frequency attached by ClinVar (database versions not stated): gnomAD 0.00001; gnomAD exomes 0.00001; TOPMed 0.00001.
gnomAD v4.1: 8 of 1,551,294 alleles (0.00052%); highest among the groups gnomAD compares: Non-Finnish European, 0.0007%; no homozygotes.

Submissions (2):

Labcorp Genetics (formerly Invitae), Labcorp
Classification: Likely benign. Last evaluated: 2025-08-08. Review status: criteria provided, single submitter. Criteria: Invitae Variant Classification Sherloc (09022015). Collection method: clinical testing. Allele origin: germline.

CeGaT Center for Human Genetics Tuebingen
Classification: Likely benign. Last evaluated: 2025-06-01. Review status: criteria provided, single submitter. Criteria: CeGaT Center For Human Genetics Tuebingen Variant Classification Criteria Version 2. Collection method: clinical testing. Allele origin: germline. Affected: yes. Observed: 1 variant allele.
Comment: COL11A2: BP4, BP7

NM_080680.3(COL11A2):c.907C>T (p.Leu303=)

Gene: COL11A2 (collagen type XI alpha 2 chain; minus strand). Cytogenetic location: 6p21.32.
Variant type: single nucleotide variant.
Coding change: c.907C>T on transcript NM_080680.3 (MANE Select); coding-DNA position 907, C replaced by T.
Protein change: p.Leu303=; no amino-acid change (leucine 303 retained).
Molecular consequence: synonymous variant. On other transcripts: intron variant (1).
Genome position (GRCh38, 1-based): chr6:33,185,024, G>A on the plus strand (C>T on the coding strand, the complement: COL11A2 is on the minus strand). VCF-style: chr6-33185024-G-A. GRCh37 (hg19) VCF-style: chr6-33152801-G-A.
Other names: c.829C>T, p.Leu277= (NM_080681.3); c.798+1603C>T (NM_080679.3).
Identifiers: ClinVar variation 2056448 (VCV002056448.12), dbSNP rs991763003, ClinGen allele CA137053206.